The following is an entry in ClinVar:

NM_001330.5(CTF1):c.356_404del (p.Leu119fs)

Genes: CTF1 (cardiotrophin 1; plus strand), LOC130058878 (ATAC-STARR-seq lymphoblastoid silent region 7400; plus strand). Cytogenetic location: 16p11.2.
Variant type: Deletion.
Coding change: c.356_404del on transcript NM_001330.5 (MANE Select); coding-DNA positions 356 to 404, 49 bases deleted.
Protein change: p.Leu119fs; shifts the reading frame from leucine 119.
Molecular consequence: frameshift variant. On other transcripts: non-coding transcript variant (1).
Genome position (GRCh38, 1-based): chr16:30,902,289-30,902,337, 49 bases deleted; deleting any 49 consecutive bases within chr16:30,902,287-30,902,337 gives the same sequence; the c. name uses the placement nearest the transcript's 3' end. GRCh37 (hg19): chr16:30,913,610-30,913,658.
Other names: c.353_401del, p.Leu118fs (NM_001142544.3); short protein forms L118fs, L119fs.
Identifiers: ClinVar variation 2094624 (VCV002094624.4), dbSNP rs2543740761, ClinGen allele CA2580091503.
Genomic context (GRCh38, chr16:30,902,286, plus strand): 5'-CCCCGCTGCTGGACGCAGTGTGTCGCCGCCAGGCCGAGCTGAACCCGCGCGCGCCGCGCC[TGCTGCGCCGCCTGGAGGACGCGGCGCGCCAGGCCCGGGCCCTGGGCGCC>T]GCCGTGGAGGCCTTGCTGGCCGCGCTGGGCGCCGCCAACCGCGGGCCCCGGGCCGAGCCC-3'

ClinVar aggregate classification (germline): Uncertain significance (1 of 4 stars; one submission).

Submission:

Labcorp Genetics (formerly Invitae), Labcorp
Classification: Uncertain significance. Last evaluated: 2022-02-22. Review status: criteria provided, single submitter. Criteria: Invitae Variant Classification Sherloc (09022015). Collection method: clinical testing. Allele origin: germline.
Comment: In summary, the available evidence is currently insufficient to determine the role of this variant in disease. Therefore, it has been classified as a Variant of Uncertain Significance. This variant has not been reported in the literature in individuals affected with CTF1-related conditions. The frequency data for this variant in the population databases is considered unreliable, as metrics indicate insufficient coverage at this position in the gnomAD database. This sequence change creates a premature translational stop signal (p.Leu119Profs*51) in the CTF1 gene. While this is not anticipated to result in nonsense mediated decay, it is expected to disrupt the last 83 amino acid(s) of the CTF1 protein.